The following is an entry in ClinVar:

NM_001267727.2(ARSG):c.46T>C (p.Ser16Pro)

Gene: ARSG (arylsulfatase G; plus strand). Cytogenetic location: 17q24.2.
Variant type: single nucleotide variant.
Coding change: c.46T>C on transcript NM_001267727.2 (MANE Select); coding-DNA position 46, T replaced by C.
Protein change: p.Ser16Pro; replaces serine 16 with proline.
Molecular consequence: missense variant.
Genome position (GRCh38, 1-based): chr17:68,307,539, T>C. VCF-style: chr17-68307539-T-C. GRCh37 (hg19) VCF-style: chr17-66303680-T-C.
Other names: c.46T>C, p.Ser16Pro (NM_001352899.2, NM_001352900.2, NM_001352901.2 and 9 more transcripts); short protein forms S16P.
Identifiers: ClinVar variation 2097668 (VCV002097668.4), dbSNP rs782359150, ClinGen allele CA8728099.
Genomic context (GRCh38, chr17:68,307,539, plus strand): 5'-CCTGCCTTCACCACCATGGGCTGGCTTTTTCTAAAGGTTTTGTTGGCGGGAGTGAGTTTC[T>C]CAGGATTTCTTTATCCTCTTGTGGATTTTTGCATCAGTGGGAAAACAAGAGGACAGAAGC-3'
Protein context (NP_001254656.1, residues 6-26): LKVLLAGVSF[Ser16Pro]GFLYPLVDFC

ClinVar aggregate classification (germline): Uncertain significance (1 of 4 stars; one submission).

Allele frequency attached by ClinVar (database versions not stated): ExAC 0.00001; gnomAD 0.00001; gnomAD exomes 0.00001; TOPMed 0.00002.
gnomAD v4.1: 5 of 1,614,072 alleles (0.00031%); highest among the groups gnomAD compares: African/African-American, 0.004%; no homozygotes.

Submission:

Labcorp Genetics (formerly Invitae), Labcorp
Classification: Uncertain significance. Last evaluated: 2022-09-06. Review status: criteria provided, single submitter. Criteria: Invitae Variant Classification Sherloc (09022015). Collection method: clinical testing. Allele origin: germline.
Comment: This variant is present in population databases (rs782359150, gnomAD 0.008%). This variant has not been reported in the literature in individuals affected with ARSG-related conditions. This sequence change replaces serine, which is neutral and polar, with proline, which is neutral and non-polar, at codon 16 of the ARSG protein (p.Ser16Pro). In summary, the available evidence is currently insufficient to determine the role of this variant in disease. Therefore, it has been classified as a Variant of Uncertain Significance. Algorithms developed to predict the effect of missense changes on protein structure and function (SIFT, PolyPhen-2, Align-GVGD) all suggest that this variant is likely to be tolerated.